The following is an entry in ClinVar:

ClinVar aggregate classification (germline): Uncertain significance (1 of 4 stars; one submission).

Submission:

Mayo Clinic Laboratories, Mayo Clinic
Classification: Uncertain significance. Last evaluated: 2025-03-25. Review status: criteria provided, single submitter. Criteria: ACMG Guidelines, 2015. Collection method: clinical testing. Allele origin: germline. Observed: 1 variant allele.
Comment: BP4_moderate, PM2_supporting

NM_005101.4(ISG15):c.422G>T (p.Gly141Val)

Gene: ISG15 (ISG15 ubiquitin like modifier; plus strand). Cytogenetic location: 1p36.33.
Variant type: single nucleotide variant.
Coding change: c.422G>T on transcript NM_005101.4 (MANE Select); coding-DNA position 422, G replaced by T.
Protein change: p.Gly141Val; replaces glycine 141 with valine.
Molecular consequence: missense variant.
Genome position (GRCh38, 1-based): chr1:1,014,402, G>T. VCF-style: chr1-1014402-G-T. GRCh37 (hg19) VCF-style: chr1-949782-G-T.
Other names: p.Gly141Val; short protein forms G141V.
Identifiers: ClinVar variation 4540869 (VCV004540869.1).